The following is an entry in ClinVar:

NM_000271.5(NPC1):c.58-3297A>G

Genes: NPC1 (NPC intracellular cholesterol transporter 1; minus strand), LOC126862706 (BRD4-independent group 4 enhancer GRCh37_chr18:21156116-21157315; plus strand). Cytogenetic location: 18q11.2.
Variant type: single nucleotide variant.
Coding change: c.58-3297A>G on transcript NM_000271.5 (MANE Select); 3297 bases into the intron before coding-DNA position 58, A replaced by G.
Molecular consequence: intron variant.
Genome position (GRCh38, 1-based): chr18:23,576,871, T>C on the plus strand (A>G on the coding strand, the complement: NPC1 is on the minus strand). VCF-style: chr18-23576871-T-C. GRCh37 (hg19) VCF-style: chr18-21156835-T-C.
Identifiers: ClinVar variation 4989182 (VCV004989182.1).
Genomic context (GRCh38, chr18:23,576,871, plus strand): 5'-GAAGCTGCAGATCTTCGCGGTGAGTGTTACAGCTCATAAAAGCAGTGTGGACCCAAAGAG[T>C]GAGCAGTAGCAAGATTTATTGCAAAGAGCGAAAGAACAACGCTTCCACAGCATGGAAGAG-3'

ClinVar aggregate classification (germline): Likely benign (1 of 4 stars; one submission).

Conditions:
NPC1-related disorder. Also called: NPC1-related condition.

Submission:

PreventionGenetics, part of Exact Sciences
Classification: Likely benign for NPC1-related condition. Last evaluated: 2025-12-17. Review status: criteria provided, single submitter. Criteria: ACMG Guidelines, 2015. Collection method: clinical testing. Allele origin: germline.
Comment: This variant is classified as likely benign based on ACMG/AMP sequence variant interpretation guidelines (Richards et al. 2015 PMID: 25741868, with internal and published modifications).